The following is an entry in ClinVar:

ClinVar aggregate classification (germline): Uncertain significance. Review status: criteria provided, multiple submitters, no conflicts (2 of 4 stars). 10 submissions from 9 submitters: Uncertain significance (9). 1 of the submissions does not count toward it. Last evaluated 2025-11-21.

Conditions:
Megacystis-microcolon-intestinal hypoperistalsis syndrome 2. Identifiers: MedGen C5543476, MONDO:0025708, OMIM 619351.
Visceral myopathy 2. Identifiers: MedGen C5543466, MONDO:0859157, OMIM 619350.
Aortic aneurysm, familial thoracic 4 (AAT4). Also called: AORTIC ANEURYSM/AORTIC DISSECTION AND PATENT DUCTUS ARTERIOSUS. Identifiers: MedGen C1851504, MONDO:0007568, OMIM 132900.
Familial thoracic aortic aneurysm and aortic dissection (TAAD). Also called: Thoracic aortic aneurysms and dissections. Identifiers: Orphanet 91387, MedGen C4707243, MONDO:0019625.
MYH11-related disorder. Also called: MYH11-related condition.

Allele frequency attached by ClinVar (database versions not stated): ESP Exome Variant Server 0.00008; ExAC 0.00012; gnomAD exomes 0.00012; TOPMed 0.00012; 1000 Genomes Project 0.00020; gnomAD 0.00020; 1000 Genomes Project 30x 0.00031.
gnomAD v4.1: 391 of 1,613,920 alleles (0.024%); highest among the groups gnomAD compares: Non-Finnish European, 0.031%; no homozygotes.

Submissions (10):

Color Diagnostics, LLC DBA Color Health
Classification: Uncertain significance for Familial thoracic aortic aneurysm and aortic dissection. Last evaluated: 2025-11-21. Review status: criteria provided, single submitter. Criteria: ACMG Guidelines, 2015. Collection method: clinical testing. Allele origin: germline.
Comment: This missense variant replaces arginine with tryptophan at codon 1542 of the MYH11 protein. Computational prediction suggests that this variant may have deleterious impact on protein structure and function. To our knowledge, functional studies have not been reported for this variant. This variant has been reported in an individual affected with bicuspid aortic valve (PMID: 28659821). This variant has been identified in 391/1613920 chromosomes in the general population by the Genome Aggregation Database (gnomAD). The available evidence is insufficient to determine the role of this variant in disease conclusively. Therefore, this variant is classified as a Variant of Uncertain Significance.

Ambry Genetics
Classification: Uncertain significance for Familial thoracic aortic aneurysm and aortic dissection. Last evaluated: 2025-06-30. Review status: criteria provided, single submitter. Criteria: Ambry Variant Classification Scheme 2023. Collection method: clinical testing. Allele origin: germline.
Comment: The p.R1535W variant (also known as c.4603C>T), located in coding exon 32 of the MYH11 gene, results from a C to T substitution at nucleotide position 4603. The arginine at codon 1535 is replaced by tryptophan, an amino acid with dissimilar properties. This amino acid position is highly conserved in available vertebrate species. In addition, this alteration is predicted to be deleterious by in silico analysis. Based on the available evidence, the clinical significance of this variant remains unclear.

Labcorp Genetics (formerly Invitae), Labcorp
Classification: Uncertain significance for Aortic aneurysm, familial thoracic 4. Last evaluated: 2025-01-28. Review status: criteria provided, single submitter. Criteria: Invitae Variant Classification Sherloc (09022015). Collection method: clinical testing. Allele origin: germline.
Comment: This sequence change replaces arginine, which is basic and polar, with tryptophan, which is neutral and slightly polar, at codon 1542 of the MYH11 protein (p.Arg1542Trp). This variant is present in population databases (rs143402648, gnomAD 0.02%). This variant has not been reported in the literature in individuals affected with MYH11-related conditions. ClinVar contains an entry for this variant (Variation ID: 372423). Invitae Evidence Modeling of protein sequence and biophysical properties (such as structural, functional, and spatial information, amino acid conservation, physicochemical variation, residue mobility, and thermodynamic stability) indicates that this missense variant is not expected to disrupt MYH11 protein function with a negative predictive value of 95%. In summary, the available evidence is currently insufficient to determine the role of this variant in disease. Therefore, it has been classified as a Variant of Uncertain Significance.

Blueprint Genetics
Classification: Uncertain significance. Last evaluated: 2024-11-13. Review status: criteria provided, single submitter. Criteria: ACMG Guidelines, 2015. Collection method: clinical testing. Allele origin: germline.

Fulgent Genetics
Classification: Uncertain significance for Aortic aneurysm, familial thoracic 4; Visceral myopathy 2; Megacystis-microcolon-intestinal hypoperistalsis syndrome 2. Last evaluated: 2024-05-22. Review status: criteria provided, single submitter. Criteria: ACMG Guidelines, 2015. Collection method: clinical testing. Allele origin: germline.

Clinical Genetics Laboratory, Skane University Hospital Lund
Classification: Uncertain significance. Last evaluated: 2023-08-22. Review status: criteria provided, single submitter. Criteria: ACMG Guidelines, 2015. Collection method: clinical testing. Allele origin: germline. Affected: yes.

Fulgent Genetics
Classification: Uncertain significance for Aortic aneurysm, familial thoracic 4. Last evaluated: 2018-10-31. Review status: criteria provided, single submitter. Criteria: ACMG Guidelines, 2015. Collection method: clinical testing. Allele origin: unknown.

Illumina Laboratory Services, Illumina
Classification: Uncertain significance for Aortic aneurysm, familial thoracic 4. Last evaluated: 2018-01-12. Review status: criteria provided, single submitter. Criteria: ICSL Variant Classification Criteria 13 December 2019. Collection method: clinical testing. Allele origin: germline.

GeneDx
Classification: Uncertain significance. Last evaluated: 2016-08-12. Review status: criteria provided, single submitter. Criteria: GeneDx Variant Classification (06012015). Collection method: clinical testing. Allele origin: germline. Affected: yes.
Comment: The R1535W variant in the MYH11 gene has not been reported previously as a pathogenic variant, nor as a benign variant, to our knowledge. The R1535W variant was not observed at any significant frequency in approximately 6,500 individuals of European and African American ancestry in the NHLBI Exome Sequencing Project, indicating it is not a common benign variant in these populations. The R1535W variant is a non-conservative amino acid substitution, which is likely to impact secondary protein structure as these residues differ in polarity, charge, size and/or other properties. This substitution occurs at a position that is conserved across species. In silico analysis predicts this variant is probably damaging to the protein structure/function. We interpret R1535W as a variant of uncertain significance.

PreventionGenetics, part of Exact Sciences
Classification: Uncertain significance for MYH11-related condition. Last evaluated: 2024-09-19. Review status: no assertion criteria provided. Collection method: clinical testing. Allele origin: germline. Not counted in ClinVar's aggregate classification.
Comment: The MYH11 c.4624C>T variant is predicted to result in the amino acid substitution p.Arg1542Trp. To our knowledge, this variant has not been reported in the literature. This variant is reported in 0.024% of alleles in individuals of African descent in gnomAD. At this time, the clinical significance of this variant is uncertain due to the absence of conclusive functional and genetic evidence.

Literature cited by the submitters: PubMed 28659821 (cited by Color Diagnostics, LLC DBA Color Health).

NM_002474.3(MYH11):c.4603C>T (p.Arg1535Trp)

Genes: MYH11 (myosin heavy chain 11; minus strand), NDE1 (nudE neurodevelopment protein 1; plus strand). Cytogenetic location: 16p13.11.
Variant type: single nucleotide variant.
Coding change: c.4603C>T on transcript NM_002474.3 (MANE Select); coding-DNA position 4603, C replaced by T.
Protein change: p.Arg1535Trp; replaces arginine 1535 with tryptophan.
Molecular consequence: missense variant. On other transcripts: intron variant (2).
Genome position (GRCh38, 1-based): chr16:15,721,027, G>A on the plus strand (C>T on the coding strand, the complement: MYH11 is on the minus strand). VCF-style: chr16-15721027-G-A. GRCh37 (hg19) VCF-style: chr16-15814884-G-A.
Other names: c.4624C>T, p.Arg1542Trp (NM_001040113.2, NM_001040114.2); c.4603C>T, p.Arg1535Trp (NM_022844.3); c.948-3164G>A (NM_001143979.2, NM_017668.3); short protein forms R1535W, R1542W.
Identifiers: ClinVar variation 372423 (VCV000372423.30), dbSNP rs143402648, ClinGen allele CA7921608.
Genomic context (GRCh38, chr16:15,721,027, plus strand): 5'-GCTCGTCCTCCAGCTCTTCCAGCTGCGTCTTCATCTCCTCCATCTGGGTCTCCAGGGCCC[G>A]CTTGGACTTCTCCAGCTCATGGACCTGCCGGCAGAGCGGGCAGCCCCATTCTATGAGGCT-3'
Protein context (NP_002465.1, residues 1525-1545): KNVHELEKSK[Arg1535Trp]ALETQMEEMK